The following is an entry in ClinVar:

ClinVar aggregate classification (germline): Conflicting classifications of pathogenicity. Review status: criteria provided, conflicting classifications (1 of 4 stars). 6 submissions from 6 submitters: Uncertain significance (4); Likely benign (2). Last evaluated 2026-07-06.

Conditions:
Rhabdoid tumor predisposition syndrome 2 (RTPS2). Identifiers: Orphanet 231108, Orphanet 69077, MedGen C2750074, MONDO:0013224, OMIM 613325.
Hereditary cancer-predisposing syndrome. Also called: Tumor predisposition; Neoplastic Syndromes, Hereditary; Hereditary Cancer Syndrome; Hereditary neoplastic syndrome. Identifiers: Orphanet 140162, MedGen C0027672, MeSH D009386, MONDO:0015356.
Intellectual disability, autosomal dominant 16 (CSS4). Also called: COFFIN-SIRIS SYNDROME 4. Identifiers: Orphanet 1465, MedGen C3553249, MONDO:0013821, OMIM 614609.

Allele frequency attached by ClinVar (database versions not stated): gnomAD exomes 0.00001; ExAC 0.00001; gnomAD 0.00001.
gnomAD v4.1: 7 of 1,613,866 alleles (0.00043%); highest among the groups gnomAD compares: Non-Finnish European, 0.00051%; no homozygotes.

Submissions (6):

Myriad Genetics, Inc.
Classification: Likely benign for Rhabdoid tumor predisposition syndrome 2. Last evaluated: 2026-07-06. Review status: criteria provided, single submitter. Criteria: Myriad Autosomal Dominant, Autosomal Recessive and X-Linked Classification Criteria (2023). Collection method: clinical testing. Allele origin: unknown.
Comment: This variant is considered likely benign. This variant has been observed at a population frequency that is significantly greater than expected given the associated disease prevalence and penetrance.

Labcorp Genetics (formerly Invitae), Labcorp
Classification: Uncertain significance for Rhabdoid tumor predisposition syndrome 2. Last evaluated: 2025-08-11. Review status: criteria provided, single submitter. Criteria: Invitae Variant Classification Sherloc (09022015). Collection method: clinical testing. Allele origin: germline.
Comment: This sequence change replaces alanine, which is neutral and non-polar, with threonine, which is neutral and polar, at codon 379 of the SMARCA4 protein (p.Ala379Thr). This variant is present in population databases (rs769660597, gnomAD 0.002%). This variant has not been reported in the literature in individuals affected with SMARCA4-related conditions. ClinVar contains an entry for this variant (Variation ID: 480577). Invitae Evidence Modeling of protein sequence and biophysical properties (such as structural, functional, and spatial information, amino acid conservation, physicochemical variation, residue mobility, and thermodynamic stability) has been performed for this missense variant. However, the output from this modeling did not meet the statistical confidence thresholds required to predict the impact of this variant on SMARCA4 protein function. In summary, the available evidence is currently insufficient to determine the role of this variant in disease. Therefore, it has been classified as a Variant of Uncertain Significance.

Ambry Genetics
Classification: Likely benign for Hereditary cancer-predisposing syndrome. Last evaluated: 2023-07-14. Review status: criteria provided, single submitter. Criteria: Ambry Variant Classification Scheme 2023. Collection method: clinical testing. Allele origin: germline.

GeneDx
Classification: Uncertain significance. Last evaluated: 2022-04-07. Review status: criteria provided, single submitter. Criteria: GeneDx Variant Classification Process June 2021. Collection method: clinical testing. Allele origin: germline. Affected: yes.
Comment: In silico analysis supports that this missense variant has a deleterious effect on protein structure/function; Has not been previously published as pathogenic or benign germline variant to our knowledge

Sema4
Classification: Uncertain significance for Hereditary cancer-predisposing syndrome. Last evaluated: 2022-01-25. Review status: criteria provided, single submitter. Criteria: Sema4 Curation Guidelines. Collection method: curation. Allele origin: germline.
Comment: The SMARCA4 c.1135G>A (p.A379T) variant has not been reported in the literature to our knowledge. It was observed in 2/129170 chromosomes of the Non-Finnish European (NFE) subpopulation in the large and broad cohorts of the Genome Aggregation Database (PMID: 32461654). This variant has been reported in ClinVar (Variation ID 480577). Functional studies have not been performed, and in silico predictions of the variant's effect on protein function are inconclusive. The evidence is insufficient to meet ACMG/AMP criteria for classifying the variant as benign or pathogenic. Thus, the clinical significance of this variant is currently uncertain.

Genome-Nilou Lab
Classification: Uncertain significance for Intellectual disability, autosomal dominant 16. Last evaluated: 2021-07-15. Review status: criteria provided, single submitter. Criteria: ACMG Guidelines, 2015. Collection method: clinical testing. Allele origin: germline. Affected: no.

NM_003072.5(SMARCA4):c.1135G>A (p.Ala379Thr)

Gene: SMARCA4 (SWI/SNF related BAF chromatin remodeling complex subunit ATPase 4; plus strand). Cytogenetic location: 19p13.2.
Variant type: single nucleotide variant.
Coding change: c.1135G>A on transcript NM_003072.5 (MANE Select); coding-DNA position 1135, G replaced by A.
Protein change: p.Ala379Thr; replaces alanine 379 with threonine.
Molecular consequence: missense variant. On other transcripts: non-coding transcript variant (1).
Genome position (GRCh38, 1-based): chr19:10,989,333, G>A. VCF-style: chr19-10989333-G-A. GRCh37 (hg19) VCF-style: chr19-11100009-G-A.
Other names: c.1135G>A, p.Ala379Thr (NM_001128844.3, NM_001128845.2, NM_001128846.2 and 5 more transcripts); short protein forms A379T.
Identifiers: ClinVar variation 480577 (VCV000480577.20), dbSNP rs769660597, ClinGen allele CA9203706.